The following is an entry in ClinVar:

ClinVar aggregate classification (germline): Benign/Likely benign. Review status: criteria provided, multiple submitters, no conflicts (2 of 4 stars). 4 submissions from 4 submitters: Benign (2); Likely benign (2). Last evaluated 2026-01-26.

Allele frequency attached by ClinVar (database versions not stated): gnomAD exomes 0.00085 and 0.00135; ExAC 0.00128; ESP Exome Variant Server 0.00208; 1000 Genomes Project 0.00300; gnomAD 0.00301 and 0.00322; 1000 Genomes Project 30x 0.00312; TOPMed 0.00330.
gnomAD v4.1: 1,802 of 1,613,776 alleles (0.11%); highest among the groups gnomAD compares: Middle Eastern, 0.76%; 7 homozygotes.

Submissions (6):

Labcorp Genetics (formerly Invitae), Labcorp
Classification: Benign. Last evaluated: 2026-01-26. Review status: criteria provided, single submitter. Criteria: Invitae Variant Classification Sherloc (09022015). Collection method: clinical testing. Allele origin: germline.

Mayo Clinic Laboratories, Mayo Clinic
Classification: Benign. Last evaluated: 2024-05-08. Review status: criteria provided, single submitter. Criteria: ACMG Guidelines, 2015. Collection method: clinical testing. Allele origin: germline. Observed: 5 variant alleles.
Comment: BS1, BS2, BP4, BP7

Genetic Services Laboratory, University of Chicago
Classification: Likely benign. Last evaluated: 2020-12-22. Review status: criteria provided, single submitter. Criteria: ACMG Guidelines, 2015. Collection method: clinical testing. Allele origin: germline. Affected: no.

Breakthrough Genomics
Classification: Likely benign. Review status: criteria provided, single submitter. Criteria: ACMG Guidelines, 2015. Collection method: not provided. Allele origin: germline. Inheritance: Autosomal dominant inheritance. Affected: yes.

Dr. Peter K. Rogan Lab, Western University
No classification provided (evidence only). Condition: Nonpapillary renal cell carcinoma. Review status: no classification provided. Collection method: in vitro. Allele origin: not applicable. Functional consequence: retained intron. Not counted in ClinVar's aggregate classification.

Dr. Peter K. Rogan Lab, Western University
No classification provided (evidence only). Condition: Malignant tumor of esophagus. Review status: no classification provided. Collection method: in vitro. Allele origin: not applicable. Functional consequence: retained intron. Not counted in ClinVar's aggregate classification.

NM_004991.4(MECOM):c.614-5C>G

Gene: MECOM (MDS1 and EVI1 complex locus; minus strand). Cytogenetic location: 3q26.2.
Variant type: single nucleotide variant.
Coding change: c.614-5C>G on transcript NM_004991.4 (MANE Select); 5 bases into the intron before coding-DNA position 614, C replaced by G.
Molecular consequence: intron variant.
Genome position (GRCh38, 1-based): chr3:169,128,065, G>C on the plus strand (C>G on the coding strand, the complement: MECOM is on the minus strand). VCF-style: chr3-169128065-G-C. GRCh37 (hg19) VCF-style: chr3-168845853-G-C.
Other names: p.?; c.50-5C>G (NM_001205194.2, NM_001366474.2, NM_001164000.2 and 9 more transcripts); c.614-5C>G (NM_001366473.2, NM_001366466.2); c.242-5C>G (NM_001105077.4).
Identifiers: ClinVar variation 786505 (VCV000786505.15), dbSNP rs114414421, ClinGen allele CA2696501.